The following is an entry in ClinVar:

NM_152381.6(XIRP2):c.1836T>C (p.Gly612=)

Gene: XIRP2 (xin actin binding repeat containing 2; plus strand). Cytogenetic location: 2q24.3.
Variant type: single nucleotide variant.
Coding change: c.1836T>C on transcript NM_152381.6 (MANE Select); coding-DNA position 1836, T replaced by C.
Protein change: p.Gly612=; no amino-acid change (glycine 612 retained).
Molecular consequence: synonymous variant. On other transcripts: intron variant (3).
Genome position (GRCh38, 1-based): chr2:167,243,228, T>C. VCF-style: chr2-167243228-T-C. GRCh37 (hg19) VCF-style: chr2-168099738-T-C.
Other names: c.1170T>C, p.Gly390= (NM_001199144.2); c.1275+1318T>C (NM_001199143.2); c.1176+1318T>C (NM_001079810.4); c.510+1318T>C (NM_001199145.2).
Identifiers: ClinVar variation 3058991 (VCV003058991.2), dbSNP rs10497323, ClinGen allele CA1946541.
Genomic context (GRCh38, chr2:167,243,228, plus strand): 5'-CTCTCCTGATGAAGGTGATATTTCCAGGGGCATTGCTGATCAAGAAATCATTGCTGGTGG[T>C]GATGTGAAATATACCACATGGATGTTTGAAACCCAACCCATCGACACACTTGGGGCTTAT-3'
Protein context (NP_689594.4, residues 602-622): GIADQEIIAG[Gly612=]DVKYTTWMFE

ClinVar aggregate classification (germline): Benign (0 of 4 stars; one submission).

Conditions:
XIRP2-related disorder. Also called: XIRP2-related condition.

Allele frequency attached by ClinVar (database versions not stated): ExAC 0.23034; ESP Exome Variant Server 0.26278; gnomAD 0.27948; TOPMed 0.28652; 1000 Genomes Project 30x 0.34978; 1000 Genomes Project 0.35204.
gnomAD v4.1: 313,406 of 1,613,762 alleles (19%); highest among the groups gnomAD compares: African/African-American, 52%; 36,887 homozygotes.

Submission:

PreventionGenetics, part of Exact Sciences
Classification: Benign for XIRP2-related condition. Last evaluated: 2019-10-21. Review status: no assertion criteria provided. Collection method: clinical testing. Allele origin: germline.
Comment: This variant is classified as benign based on ACMG/AMP sequence variant interpretation guidelines (Richards et al. 2015 PMID: 25741868, with internal and published modifications).